The following is an entry in ClinVar:

ClinVar aggregate classification (germline): Likely benign (1 of 4 stars; one submission).

Submission:

CeGaT Center for Human Genetics Tuebingen
Classification: Likely benign. Last evaluated: 2023-08-01. Review status: criteria provided, single submitter. Criteria: CeGaT Center For Human Genetics Tuebingen Variant Classification Criteria Version 2. Collection method: clinical testing. Allele origin: germline. Affected: yes. Observed: 1 variant allele.
Comment: MUC3A: PM2:Supporting, BP4, BP7

NM_005960.2(MUC3A):c.1188C>A (p.Ser396=)

Gene: MUC3A (mucin 3A, cell surface associated; plus strand). Cytogenetic location: 7q22.1.
Variant type: single nucleotide variant.
Coding change: c.1188C>A on transcript NM_005960.2 (MANE Select); coding-DNA position 1188, C replaced by A.
Protein change: p.Ser396=; no amino-acid change (serine 396 retained).
Molecular consequence: synonymous variant.
Genome position (GRCh38, 1-based): chr7:100,952,967, C>A. VCF-style: chr7-100952967-C-A. GRCh37 (hg19) VCF-style: chr7-100550607-C-A.
Identifiers: ClinVar variation 2657781 (VCV002657781.24), dbSNP rs77396152, ClinGen allele CA163299817.